The following is an entry in ClinVar:

ClinVar aggregate classification (germline): Pathogenic/Likely pathogenic. Review status: criteria provided, multiple submitters, no conflicts (2 of 4 stars). 4 submissions from 4 submitters: Pathogenic (1); Likely pathogenic (3). Last evaluated 2023-06-13.

Conditions:
Mitochondrial complex III deficiency nuclear type 8. Identifiers: MedGen C4014440, MONDO:0014364, OMIM 615838.

Allele frequency attached by ClinVar (database versions not stated): ExAC 0.00001; gnomAD exomes 0.00001 and 0.00002.

Submissions (4):

Kasturba Medical College, Manipal, Kasturba Medical College, Manipal, Manipal Academy of Higher Education, Manipal, India
Classification: Pathogenic for Mitochondrial complex III deficiency nuclear type 8. Last evaluated: 2023-06-13. Review status: criteria provided, single submitter. Criteria: ACMG Guidelines, 2015. Collection method: clinical testing. Allele origin: germline. Inheritance: Autosomal recessive inheritance. Affected: yes.

Revvity Omics, Revvity
Classification: Likely pathogenic for Mitochondrial complex III deficiency nuclear type 8. Last evaluated: 2023-04-13. Review status: criteria provided, single submitter. Criteria: ACMG Guidelines, 2015. Collection method: clinical testing. Allele origin: germline.

Lifecell International Pvt. Ltd
Classification: Likely pathogenic for Mitochondrial complex III deficiency nuclear type 8. Review status: criteria provided, single submitter. Criteria: ACMG Guidelines, 2015. Collection method: clinical testing. Allele origin: germline. Inheritance: Autosomal recessive inheritance. Affected: yes. Observed: 1 homozygote.
Comment: A Homozygote Start lost variant c.2T>C in Exon 1 of the LYRM7 gene that results in the amino acid substitution p.Met1? was identified. The observed variant has a minor allele frequency of 0.00002% in gnomAD exomes and novel genomes, respectively. The severity of the impact of this variant on the protein is medium, based on the effect of the protein and REVEL score . Rare Exome Variant Ensemble Learner (REVEL) is an ensembl method for predicting the pathogenicity of missense variants based on a combination of scores from 13 individual tools: MutPred, FATHMM v2.3, VEST 3.0, PolyPhen-2, SIFT, PROVEAN, MutationAssessor, MutationTaster, LRT, GERP++, SiPhy, phyloP, and phastCons. The REVEL score for an individual missense variant can range from 0 to 1, with higher scores reflecting greater likelihood that the variant is disease-causing. ClinVar has also classified this variant as Pathogenic (Variant ID: 1323256).This disorder has previously been reported in mitochorial cmplex II (Molina-Berenguer M et al 2022). Based on the above evidence this variant has been classified as Likely Pathogenic according to the ACMG guidelines.

Neuberg Centre For Genomic Medicine, NCGM
Classification: Likely pathogenic for Mitochondrial complex III deficiency nuclear type 8. Review status: criteria provided, single submitter. Criteria: ACMG Guidelines, 2015. Collection method: clinical testing. Allele origin: germline. Inheritance: Autosomal recessive inheritance. Affected: yes.
Comment: The observed start lost c.2T>C(p.Met1?) variant in LYRM7 gene has not been reported previously as a pathogenic variant nor as a benign variant, to our knowledge. This variant is reported with the allele frequency of 0.002% in the gnomAD Exomes. This variant has been reported to the ClinVar database as Pathogenic. The p.Met1? variant is predicted to disrupt the initiation codon, and thus potentially may interfere with protein expression. For these reasons, this variant has been classified as Likely Pathogenic.

Literature cited by the submitters: PubMed 36757047 (cited by Kasturba Medical College, Manipal, Kasturba Medical College, Manipal, Manipal Academy of Higher Education, Manipal, India); PubMed 34919756 (cited by Kasturba Medical College, Manipal, Kasturba Medical College, Manipal, Manipal Academy of Higher Education, Manipal, India and Lifecell International Pvt. Ltd).

NM_181705.4(LYRM7):c.2T>C (p.Met1Thr)

Gene: LYRM7 (LYR motif containing 7; plus strand). Cytogenetic location: 5q23.3.
Variant type: single nucleotide variant.
Coding change: c.2T>C on transcript NM_181705.4 (MANE Select); coding-DNA position 2, T replaced by C.
Protein change: p.Met1Thr; changes the start codon (methionine 1).
Molecular consequence: missense variant, initiator codon variant. On other transcripts: non-coding transcript variant (1).
Genome position (GRCh38, 1-based): chr5:131,171,022, T>C. VCF-style: chr5-131171022-T-C. GRCh37 (hg19) VCF-style: chr5-130506715-T-C.
Other names: c.2T>C, p.Met1Thr (NM_001293735.2); short protein forms M1T.
Identifiers: ClinVar variation 1323256 (VCV001323256.12), dbSNP rs531275086, ClinGen allele CA3398698.